The following is an entry in ClinVar:

ClinVar aggregate classification (germline): Pathogenic (1 of 4 stars; one submission).

Conditions:
NEXMIF-related disorder. Also called: NEXMIF-related condition.

Submission:

PreventionGenetics, part of Exact Sciences
Classification: Pathogenic for NEXMIF-related condition. Last evaluated: 2023-02-27. Review status: criteria provided, single submitter. Criteria: ACMG Guidelines, 2015. Collection method: clinical testing. Allele origin: germline.
Comment: The NEXMIF c.3166_3175del10 variant is predicted to result in a frameshift and premature protein termination (p.Ser1056Profs*31). To our knowledge, this variant has not been reported in the literature or in a large population database, indicating this variant is rare. Frameshift variants in NEXMIF are expected to be pathogenic. This variant is interpreted as pathogenic.

NM_001008537.3(NEXMIF):c.3166_3175del (p.Ser1056fs)

Gene: NEXMIF (neurite extension and migration factor; minus strand). Cytogenetic location: Xq13.3.
Variant type: Deletion.
Coding change: c.3166_3175del on transcript NM_001008537.3 (MANE Select); coding-DNA positions 3166 to 3175, 10 bases deleted (TCCAACTTCA; older notation c.3166_3175delTCCAACTTCA).
Protein change: p.Ser1056fs; shifts the reading frame from serine 1056.
Molecular consequence: frameshift variant.
Genome position (GRCh38, 1-based): chrX:74,741,382-74,741,391, TGAAGTTGGA deleted on the plus strand (TCCAACTTCA on the coding strand, the reverse complement: NEXMIF is on the minus strand); deleting any 10 consecutive bases within chrX:74,741,382-74,741,392 gives the same sequence; the c. name uses the placement nearest the transcript's 3' end. VCF-style (leftmost placement, unchanged base first): chrX-74741381-GTGAAGTTGGA-G. GRCh37 (hg19) VCF-style: chrX-73961216-GTGAAGTTGGA-G.
Other names: short protein forms S1056fs.
Identifiers: ClinVar variation 2630594 (VCV002630594.1), dbSNP rs2519912719, ClinGen allele CA2695197161.